The following is an entry in ClinVar:

ClinVar aggregate classification (germline): Pathogenic (1 of 4 stars; one submission).

Conditions:
Aortic valve disease 1 (AOVD1). Identifiers: MedGen C3887892, MONDO:0024523, OMIM 109730.
Adams-Oliver syndrome 5 (AOS5). Identifiers: Orphanet 974, MedGen C4014970, MONDO:0014459, OMIM 616028.

Submission:

New York Genome Center
Classification: Pathogenic for Adams-Oliver syndrome 5; Aortic valve disease 1. Last evaluated: 2022-07-29. Review status: criteria provided, single submitter. Criteria: NYGC Assertion Criteria 2020. Collection method: clinical testing. Allele origin: de novo. Affected: yes. Observed: 1 heterozygote. Study: PrenatalSEQ.
Comment: The de novo c.2278_2282del p.(Asn760LeufsTer47) variant identified in the NOTCH1 gene is the deletion of 5 nucleotides predicted to result in the frameshift of the protein at amino acid 760/2556 (exon 14/34) and lead to premature termination approximately 47 amino acids downstream. This variant is absent from population databases gnomADv2.1.1, gnomADv3.1.2, TOPMed Freeze 8, and All of Us, suggesting it is not a common benign variant in the populations represented in those databases. This variant is absent from ClinVar, although a nonsense variant 2 amino acids upstream has been reported there as Pathogenic [VarID:1344732]. To our current knowledge this variant has not been reported in affected individuals in the literature, however nonsense and frameshift variants both N- and C-terminal to the one identified here have been previously reported [PMID:25963545, 22306179]. Given its deleterious nature, absence in population databases, and observation de novo here, the c.2278_2282del p.(Asn760LeufsTer47) variant identified in the NOTCH1 gene is reported as Pathogenic.

NM_017617.5(NOTCH1):c.2278_2282del (p.Asn760fs)

Gene: NOTCH1 (notch receptor 1; minus strand). Cytogenetic location: 9q34.3.
Variant type: Deletion.
Coding change: c.2278_2282del on transcript NM_017617.5 (MANE Select); coding-DNA positions 2278 to 2282, 5 bases deleted (AACCC; older notation c.2278_2282delAACCC).
Protein change: p.Asn760fs; shifts the reading frame from asparagine 760.
Molecular consequence: frameshift variant.
Genome position (GRCh38, 1-based): chr9:136,513,463-136,513,467, GGGTT deleted on the plus strand (AACCC on the coding strand, the reverse complement: NOTCH1 is on the minus strand); deleting any 5 consecutive bases within chr9:136,513,463-136,513,469 gives the same sequence; the c. name uses the placement nearest the transcript's 3' end. VCF-style (leftmost placement, unchanged base first): chr9-136513462-AGGGTT-A. GRCh37 (hg19) VCF-style: chr9-139407914-AGGGTT-A.
Other names: short protein forms N760fs.
Identifiers: ClinVar variation 3235929 (VCV003235929.1), dbSNP rs2540452961, ClinGen allele CA2825001637.
Genomic context (GRCh38, chr9:136,513,462, plus strand): 5'-CTCCCGGCAGGTGCACACGTAGCCACTGGTCATGTCTTTGCAGGTGCCGCCGTTGACACA[AGGGTT>A]GGATTCACACTCATTGTTGTTGATGTCACAGTTGGTCCCACTCCACCCAGGGTCACAGTC-3'